The following is an entry in ClinVar:

ClinVar aggregate classification (germline): Likely pathogenic (1 of 4 stars; one submission).

Conditions:
Familial thoracic aortic aneurysm and aortic dissection (TAAD). Also called: Thoracic aortic aneurysms and dissections. Identifiers: Orphanet 91387, MedGen C4707243, MONDO:0019625.

Submission:

Ambry Genetics
Classification: Likely pathogenic for Familial thoracic aortic aneurysm and aortic dissection. Last evaluated: 2025-03-13. Review status: criteria provided, single submitter. Criteria: Ambry Variant Classification Scheme 2023. Collection method: clinical testing. Allele origin: germline.
Comment: The p.C1198S variant (also known as c.3593G>C), located in coding exon 27 of the FBN2 gene, results from a G to C substitution at nucleotide position 3593. The cysteine at codon 1198 is replaced by serine, an amino acid with dissimilar properties. In one study, 13 of 14 reportedFBN2mutations were located in the middle region of the gene (exons24-36), and 7of these mutations were noted to alter or produce a cysteine residue (CallewaertBL et al.HumMutat. 2009;30(3):334-341). Based on internal structural analysis, this variant is anticipated to disrupt a region of known function (Fr&eacute;d&eacute;ric MY et al. Hum Mutat. 2009 Feb;30(2):181-90; CallewaertBL et al.HumMutat. 2009;30(3):334-341). This variant was reported in individual(s) with features consistent with congenital contractural arachnodactyly (Ambry internal data). This variant is considered to be rare based on population cohorts in the Genome Aggregation Database (gnomAD). This amino acid position is highly conserved in available vertebrate species. In addition, this alteration is predicted to be deleterious by in silico analysis. Based on the majority of available evidence to date, this variant is likely to be pathogenic.

NM_001999.4(FBN2):c.3593G>C (p.Cys1198Ser)

Gene: FBN2 (fibrillin 2; minus strand). Cytogenetic location: 5q23.3.
Variant type: single nucleotide variant.
Coding change: c.3593G>C on transcript NM_001999.4 (MANE Select); coding-DNA position 3593, G replaced by C.
Protein change: p.Cys1198Ser; replaces cysteine 1198 with serine.
Molecular consequence: missense variant.
Genome position (GRCh38, 1-based): chr5:128,338,002, C>G on the plus strand (G>C on the coding strand, the complement: FBN2 is on the minus strand). VCF-style: chr5-128338002-C-G. GRCh37 (hg19) VCF-style: chr5-127673694-C-G.
Other names: short protein forms C1198S.
Identifiers: ClinVar variation 3849211 (VCV003849211.1).